The following is an entry in ClinVar:

ClinVar aggregate classification (germline): Likely benign (1 of 4 stars; one submission).

Allele frequency attached by ClinVar (database versions not stated): 1000 Genomes Project 0.00699; 1000 Genomes Project 30x 0.00718; gnomAD 0.00740 and 0.00764; TOPMed 0.00809.
gnomAD v4.1: 1,111 of 152,238 alleles (0.73%); highest among the groups gnomAD compares: African/African-American, 2.2%; 19 homozygotes.

Submission:

GeneDx
Classification: Likely benign. Last evaluated: 2018-06-16. Review status: criteria provided, single submitter. Criteria: GeneDx Variant Classification (06012015). Collection method: clinical testing. Allele origin: germline. Affected: yes.
Comment: This variant is considered likely benign or benign based on one or more of the following criteria: it is a conservative change, it occurs at a poorly conserved position in the protein, it is predicted to be benign by multiple in silico algorithms, and/or has population frequency not consistent with disease.

NM_006514.4(SCN10A):c.4281+283G>A

Gene: SCN10A (sodium voltage-gated channel alpha subunit 10; minus strand). Cytogenetic location: 3p22.2.
Variant type: single nucleotide variant.
Coding change: c.4281+283G>A on transcript NM_006514.4 (MANE Select); 283 bases into the intron after coding-DNA position 4281, G replaced by A.
Molecular consequence: intron variant.
Genome position (GRCh38, 1-based): chr3:38,709,195, C>T on the plus strand (G>A on the coding strand, the complement: SCN10A is on the minus strand). VCF-style: chr3-38709195-C-T. GRCh37 (hg19) VCF-style: chr3-38750686-C-T.
Other names: c.3987+283G>A (NM_001293307.2); c.4278+283G>A (NM_001293306.2).
Identifiers: ClinVar variation 673516 (VCV000673516.1), dbSNP rs74598043, ClinGen allele CA72949147.